The following is an entry in ClinVar:

NM_005859.5(PURA):c.583_602del (p.Leu195fs)

Gene: PURA (purine rich element binding protein A; plus strand). Cytogenetic location: 5q31.3.
Variant type: Deletion.
Coding change: c.583_602del on transcript NM_005859.5 (MANE Select); coding-DNA positions 583 to 602, 20 bases deleted (CTCATCGAGTTCCGTGACGC).
Protein change: p.Leu195fs; shifts the reading frame from leucine 195.
Molecular consequence: frameshift variant.
Genome position (GRCh38, 1-based): chr5:140,114,764-140,114,783, CTCATCGAGTTCCGTGACGC deleted. VCF-style (leftmost placement, unchanged base first): chr5-140114763-GCTCATCGAGTTCCGTGACGC-G. GRCh37 (hg19) VCF-style: chr5-139494348-GCTCATCGAGTTCCGTGACGC-G.
Other names: short protein forms L195fs.
Identifiers: ClinVar variation 1749973 (VCV001749973.2), dbSNP rs2479505705, ClinGen allele CA2580072967.

ClinVar aggregate classification (germline): Pathogenic (1 of 4 stars; one submission).

Conditions:
Inborn genetic diseases. Identifiers: MedGen C0950123, MeSH D030342.

Submission:

Ambry Genetics
Classification: Pathogenic for Inborn genetic diseases. Last evaluated: 2017-08-03. Review status: criteria provided, single submitter. Criteria: Ambry Variant Classification Scheme 2023. Collection method: clinical testing. Allele origin: germline.
Comment: The c.583_602del20 pathogenic mutation, located in coding exon 1 of the PURA gene, results from a deletion of 20 nucleotides at nucleotide positions 583 to 602, causing a translational frameshift with a predicted alternate stop codon (p.L195Sfs*92). This alteration is expected to result in loss of function by premature protein truncation. As such, this alteration is interpreted as a disease-causing mutation.